The following is an entry in ClinVar:

NM_000135.4(FANCA):c.4153G>A (p.Glu1385Lys)

Genes: FANCA (FA complementation group A; minus strand), ZNF276 (zinc finger protein 276; plus strand). Cytogenetic location: 16q24.3.
Variant type: single nucleotide variant.
Coding change: c.4153G>A on transcript NM_000135.4 (MANE Select); coding-DNA position 4153, G replaced by A.
Protein change: p.Glu1385Lys; replaces glutamic acid 1385 with lysine.
Molecular consequence: missense variant. On other transcripts: 3 prime UTR variant (2), non-coding transcript variant (4).
Genome position (GRCh38, 1-based): chr16:89,739,147, C>T on the plus strand (G>A on the coding strand, the complement: FANCA is on the minus strand). VCF-style: chr16-89739147-C-T. GRCh37 (hg19) VCF-style: chr16-89805555-C-T.
Other names: c.4153G>A, p.Glu1385Lys (NM_001286167.3); c.*901C>T (NM_001113525.2, NM_152287.4); short protein forms E1385K.
Identifiers: ClinVar variation 5036338 (VCV005036338.1).

ClinVar aggregate classification (germline): Uncertain significance (1 of 4 stars; one submission).

Conditions:
Inborn genetic diseases. Identifiers: MedGen C0950123, MeSH D030342.

Submission:

Ambry Genetics
Classification: Uncertain significance for Inborn genetic diseases. Last evaluated: 2026-07-05. Review status: criteria provided, single submitter. Criteria: Ambry Variant Classification Scheme 2023. Collection method: clinical testing. Allele origin: germline.
Comment: The p.E1385K variant (also known as c.4153G>A), located in coding exon 41 of the FANCA gene, results from a G to A substitution at nucleotide position 4153. The glutamic acid at codon 1385 is replaced by lysine, an amino acid with similar properties. This amino acid position is conserved. In addition, this alteration is predicted to be tolerated by in silico analysis. Based on the available evidence, the clinical significance of this variant remains unclear.